The following is an entry in ClinVar:

ClinVar aggregate classification (germline): Pathogenic/Likely pathogenic. Review status: criteria provided, multiple submitters, no conflicts (2 of 4 stars). 2 submissions from 2 submitters: Pathogenic (1); Likely pathogenic (1). Last evaluated 2023-09-17.

Conditions:
USH2A-related disorder. Also called: USH2A-related disorders; USH2A-related condition. Identifiers: MedGen CN239332.
Retinitis pigmentosa 39 (RP39). Identifiers: Orphanet 791, MedGen C3151138, MONDO:0013436, OMIM 613809.

Submissions (2):

Myriad Genetics, Inc.
Classification: Pathogenic for USH2A-related disorder. Last evaluated: 2023-09-17. Review status: criteria provided, single submitter. Criteria: Myriad Autosomal Dominant, Autosomal Recessive and X-Linked Classification Criteria (2023). Collection method: clinical testing. Allele origin: unknown.
Comment: NM_206933.2(USH2A):c.13543C>T(Q4515*) is expected to be pathogenic in the context of USH2A-related disorders. This variant is predicted to lead to an abnormal or absent protein product due to the creation of a premature termination codon in USH2A, a gene where loss-of-function variants are known to be pathogenic. Please note: this variant was assessed in the context of healthy population screening.

Baylor Genetics
Classification: Likely pathogenic for Retinitis pigmentosa 39. Last evaluated: 2023-07-21. Review status: criteria provided, single submitter. Criteria: ACMG Guidelines, 2015. Collection method: clinical testing. Allele origin: unknown.

NM_206933.4(USH2A):c.13543C>T (p.Gln4515Ter)

Gene: USH2A (usherin; minus strand). Cytogenetic location: 1q41.
Variant type: single nucleotide variant.
Coding change: c.13543C>T on transcript NM_206933.4 (MANE Select); coding-DNA position 13543, C replaced by T.
Protein change: p.Gln4515Ter; replaces glutamine 4515 with a stop codon.
Molecular consequence: nonsense.
Genome position (GRCh38, 1-based): chr1:215,674,368, G>A on the plus strand (C>T on the coding strand, the complement: USH2A is on the minus strand). VCF-style: chr1-215674368-G-A. GRCh37 (hg19) VCF-style: chr1-215847710-G-A.
Other names: short protein forms Q4515*.
Identifiers: ClinVar variation 2679483 (VCV002679483.2), dbSNP rs2464894738, ClinGen allele CA344844704.